The following is an entry in ClinVar:

ClinVar aggregate classification (germline): Pathogenic/Likely pathogenic. Review status: criteria provided, multiple submitters, no conflicts (2 of 4 stars). 2 submissions from 2 submitters: Pathogenic (1); Likely pathogenic (1). Last evaluated 2024-09-06.

Conditions:
Telangiectasia, hereditary hemorrhagic, type 2 (HHT2). Also called: ACVRL1-Related Hereditary Hemorrhagic Telangiectasia; Telangiectasia, hereditary hemorrhagic, type II. Identifiers: Orphanet 774, MedGen C1838163, MONDO:0010880, OMIM 600376. Disease mechanism: loss of function.

Submissions (2):

Mayo Clinic Laboratories, Mayo Clinic
Classification: Likely pathogenic. Last evaluated: 2024-09-06. Review status: criteria provided, single submitter. Criteria: ACMG Guidelines, 2015. Collection method: clinical testing. Allele origin: germline. Observed: 1 variant allele.
Comment: PP3, PM2, PM5, PS4_moderate

Labcorp Genetics (formerly Invitae), Labcorp
Classification: Pathogenic for Telangiectasia, hereditary hemorrhagic, type 2. Last evaluated: 2023-03-26. Review status: criteria provided, single submitter. Criteria: Invitae Variant Classification Sherloc (09022015). Collection method: clinical testing. Allele origin: germline.
Comment: This variant disrupts the p.Gly309 amino acid residue in ACVRL1. Other variant(s) that disrupt this residue have been observed in individuals with ACVRL1-related conditions (PMID: 16705692, 21132305), which suggests that this may be a clinically significant amino acid residue. Advanced modeling of protein sequence and biophysical properties (such as structural, functional, and spatial information, amino acid conservation, physicochemical variation, residue mobility, and thermodynamic stability) performed at Invitae indicates that this missense variant is expected to disrupt ACVRL1 protein function. ClinVar contains an entry for this variant (Variation ID: 533349). This missense change has been observed in individuals with hereditary haemorrhagic telangiectasia (PMID: 15517393, 17384219, 21158752, 22991266, 26245826). This variant is not present in population databases (gnomAD no frequency). This sequence change replaces glycine, which is neutral and non-polar, with serine, which is neutral and polar, at codon 309 of the ACVRL1 protein (p.Gly309Ser). For these reasons, this variant has been classified as Pathogenic.

Literature cited by the submitters: PubMed 15517393 (cited by Mayo Clinic Laboratories, Mayo Clinic and Labcorp Genetics (formerly Invitae), Labcorp); PubMed 16705692 (cited by Mayo Clinic Laboratories, Mayo Clinic and Labcorp Genetics (formerly Invitae), Labcorp); PubMed 17384219 (cited by Mayo Clinic Laboratories, Mayo Clinic and Labcorp Genetics (formerly Invitae), Labcorp); PubMed 21158752 (cited by Mayo Clinic Laboratories, Mayo Clinic and Labcorp Genetics (formerly Invitae), Labcorp); PubMed 22991266 (cited by Mayo Clinic Laboratories, Mayo Clinic and Labcorp Genetics (formerly Invitae), Labcorp); PubMed 26245826 (cited by Mayo Clinic Laboratories, Mayo Clinic and Labcorp Genetics (formerly Invitae), Labcorp); PubMed 21132305 (cited by Labcorp Genetics (formerly Invitae), Labcorp).

NM_000020.3(ACVRL1):c.925G>A (p.Gly309Ser)

Gene: ACVRL1 (activin A receptor like type 1; plus strand). Cytogenetic location: 12q13.13.
Variant type: single nucleotide variant.
Coding change: c.925G>A on transcript NM_000020.3 (MANE Select); coding-DNA position 925, G replaced by A.
Protein change: p.Gly309Ser; replaces glycine 309 with serine.
Molecular consequence: missense variant.
Genome position (GRCh38, 1-based): chr12:51,915,377, G>A. VCF-style: chr12-51915377-G-A. GRCh37 (hg19) VCF-style: chr12-52309161-G-A.
Other names: p.Gly309Ser; c.925G>A, p.Gly309Ser (NM_001077401.2); short protein forms G309S.
Identifiers: ClinVar variation 533349 (VCV000533349.9), dbSNP rs1555153133, ClinGen allele CA384901046.